The following is an entry in ClinVar:

ClinVar aggregate classification (germline): Uncertain significance. Review status: criteria provided, multiple submitters, no conflicts (2 of 4 stars). 2 submissions from 2 submitters: Uncertain significance (2). Last evaluated 2026-07-07.

Conditions:
Hereditary cancer-predisposing syndrome. Also called: Neoplastic Syndromes, Hereditary; Tumor predisposition; Hereditary Cancer Syndrome; Hereditary neoplastic syndrome. Identifiers: Orphanet 140162, MedGen C0027672, MeSH D009386, MONDO:0015356.
Pheochromocytoma. Also called: MAX-Related Hereditary Paraganglioma-Pheochromocytoma Syndrome. Identifiers: Orphanet 29072, MedGen C0031511, MONDO:0008233, OMIM 171300, HP:0002666.

Submissions (2):

Ambry Genetics
Classification: Uncertain significance for Hereditary cancer-predisposing syndrome. Last evaluated: 2026-07-07. Review status: criteria provided, single submitter. Criteria: Ambry Variant Classification Scheme 2023. Collection method: clinical testing. Allele origin: germline.
Comment: The p.A150G variant (also known as c.449C>G), located in coding exon 3 of the TMEM127 gene, results from a C to G substitution at nucleotide position 449. The alanine at codon 150 is replaced by glycine, an amino acid with similar properties. This amino acid position is conserved. In addition, this alteration is predicted to be deleterious by in silico analysis. Based on the available evidence, the clinical significance of this variant remains unclear.

Baylor Genetics
Classification: Uncertain significance for Pheochromocytoma. Last evaluated: 2023-11-10. Review status: criteria provided, single submitter. Criteria: ACMG Guidelines, 2015. Collection method: clinical testing. Allele origin: unknown.

NM_017849.4(TMEM127):c.449C>G (p.Ala150Gly)

Gene: TMEM127 (transmembrane protein 127; minus strand). Cytogenetic location: 2q11.2.
Variant type: single nucleotide variant.
Coding change: c.449C>G on transcript NM_017849.4 (MANE Select); coding-DNA position 449, C replaced by G.
Protein change: p.Ala150Gly; replaces alanine 150 with glycine.
Molecular consequence: missense variant.
Genome position (GRCh38, 1-based): chr2:96,254,076, G>C on the plus strand (C>G on the coding strand, the complement: TMEM127 is on the minus strand). VCF-style: chr2-96254076-G-C. GRCh37 (hg19) VCF-style: chr2-96919814-G-C.
Other names: c.449C>G, p.Ala150Gly (NM_001193304.3); c.197C>G, p.Ala66Gly (NM_001407282.1, NM_001407283.1); short protein forms A150G, A66G.
Identifiers: ClinVar variation 3240612 (VCV003240612.2), dbSNP rs2467264263.